The following is an entry in ClinVar:

NM_003172.4(SURF1):c.584G>T (p.Gly195Val)

Gene: SURF1 (SURF1 cytochrome c oxidase assembly factor; minus strand). Cytogenetic location: 9q34.2.
Variant type: single nucleotide variant.
Coding change: c.584G>T on transcript NM_003172.4 (MANE Select); coding-DNA position 584, G replaced by T.
Protein change: p.Gly195Val; replaces glycine 195 with valine.
Molecular consequence: missense variant.
Genome position (GRCh38, 1-based): chr9:133,352,698, C>A on the plus strand (G>T on the coding strand, the complement: SURF1 is on the minus strand). VCF-style: chr9-133352698-C-A. GRCh37 (hg19) VCF-style: chr9-136219553-C-A.
Other names: c.584G>T (NM_003172.3); c.257G>T, p.Gly86Val (NM_001280787.1); short protein forms G195V, G86V.
Identifiers: ClinVar variation 2413132 (VCV002413132.6), dbSNP rs1193858183, ClinGen allele CA375693964.

ClinVar aggregate classification (germline): Conflicting classifications of pathogenicity. Review status: criteria provided, conflicting classifications (1 of 4 stars). 2 submissions from 2 submitters: Likely pathogenic (1); Uncertain significance (1). Last evaluated 2023-08-04.

Conditions:
Mitochondrial complex IV deficiency, nuclear type 1 (MC4DN1). Also called: Mitochondrial complex IV deficiency; Complex 4 mitochondrial respiratory chain deficiency; Deficiency of mitochondrial respiratory chain complex4; Complex IV deficiency; COX DEFICIENCY. Identifiers: MedGen C5435656, MONDO:0700250, OMIM 220110. Disease mechanism: loss of function.

gnomAD v4.1: 2 of 1,613,614 alleles (0.00012%); highest among the groups gnomAD compares: East Asian, 0.0045%; no homozygotes.

Submissions (2):

Women's Health and Genetics/Laboratory Corporation of America, LabCorp
Classification: Uncertain significance. Last evaluated: 2023-08-04. Review status: criteria provided, single submitter. Criteria: LabCorp Variant Classification Summary - May 2015. Collection method: clinical testing. Allele origin: germline.
Comment: Variant summary: SURF1 c.584G>T (p.Gly195Val) results in a non-conservative amino acid change in the encoded protein sequence. Five of five in-silico tools predict a damaging effect of the variant on protein function. The variant allele was found at a frequency of 8e-06 in 249776 control chromosomes. The available data on variant occurrences in the general population are insufficient to allow any conclusion about variant significance. c.584G>T has been reported in the literature in individuals affected with Leigh Syndrome (Kristol_2023). This report does not provide unequivocal conclusions about association of the variant with Leigh Syndrome. To our knowledge, no experimental evidence demonstrating an impact on protein function has been reported. The following publication have been ascertained in the context of this evaluation (PMID: 36675121). One submitter has cited clinical-significance assessments for this variant to ClinVar after 2014 and has classified the variant as likely pathogenic. Based on the evidence outlined above, the variant was classified as uncertain significance.

Laboratory of Inherited Metabolic Diseases, Research centre for medical genetics
Classification: Likely pathogenic for Mitochondrial complex IV deficiency, nuclear type 1. Last evaluated: 2023-01-31. Review status: criteria provided, single submitter. Criteria: ACMG Guidelines, 2015. Collection method: clinical testing. Allele origin: paternal. Inheritance: Autosomal recessive inheritance. Affected: yes. Observed: 1 variant allele.

Literature cited by the submitters: PubMed 36675121 (cited by Women's Health and Genetics/Laboratory Corporation of America, LabCorp).